The following is an entry in ClinVar:

ClinVar aggregate classification (germline): Conflicting classifications of pathogenicity. Review status: criteria provided, conflicting classifications (1 of 4 stars). 4 submissions from 4 submitters: Likely pathogenic (1); Uncertain significance (3). Last evaluated 2026-09-29.

Conditions:
Cardiovascular phenotype. Identifiers: MedGen CN230736.
Long QT syndrome (LQTS). Identifiers: MedGen C0023976, MeSH D008133, MONDO:0002442. Disease mechanism: loss of function. Inheritance: Various modes of inheritance.

gnomAD v4.1: 1 of 1,600,926 alleles (0.000062%); highest among the groups gnomAD compares: African/African-American, 0.0013%; no homozygotes.

Submissions (4):

GeneDx
Classification: Uncertain significance. Last evaluated: 2026-09-29. Review status: criteria provided, single submitter. Criteria: GeneDx Variant Classification Process June 2021. Collection method: clinical testing. Allele origin: germline.
Comment: Not observed at significant frequency in large population cohorts (gnomAD); In silico analysis supports that this missense variant has a deleterious effect on protein structure/function; Has not been previously published as pathogenic or benign to our knowledge

Labcorp Genetics (formerly Invitae), Labcorp
Classification: Uncertain significance for Long QT syndrome. Last evaluated: 2025-04-17. Review status: criteria provided, single submitter. Criteria: Invitae Variant Classification Sherloc (09022015). Collection method: clinical testing. Allele origin: germline.
Comment: This sequence change replaces arginine, which is basic and polar, with cysteine, which is neutral and slightly polar, at codon 1537 of the CACNA1C protein (p.Arg1537Cys). This variant is not present in population databases (gnomAD no frequency). This variant has not been reported in the literature in individuals affected with CACNA1C-related conditions. ClinVar contains an entry for this variant (Variation ID: 1741860). Invitae Evidence Modeling of protein sequence and biophysical properties (such as structural, functional, and spatial information, amino acid conservation, physicochemical variation, residue mobility, and thermodynamic stability) indicates that this missense variant is expected to disrupt CACNA1C protein function with a positive predictive value of 95%. In summary, the available evidence is currently insufficient to determine the role of this variant in disease. Therefore, it has been classified as a Variant of Uncertain Significance.

Ambry Genetics
Classification: Uncertain significance for Cardiovascular phenotype. Last evaluated: 2024-09-11. Review status: criteria provided, single submitter. Criteria: Ambry Variant Classification Scheme 2023. Collection method: clinical testing. Allele origin: germline.
Comment: The p.R1537C variant (also known as c.4609C>T), located in coding exon 37 of the CACNA1C gene, results from a C to T substitution at nucleotide position 4609. The arginine at codon 1537 is replaced by cysteine, an amino acid with highly dissimilar properties. This amino acid position is highly conserved in available vertebrate species. In addition, this alteration is predicted to be deleterious by in silico analysis. Since supporting evidence is limited at this time, the clinical significance of this alteration remains unclear.

CeGaT Center for Human Genetics Tuebingen
Classification: Likely pathogenic. Last evaluated: 2024-09-01. Review status: criteria provided, single submitter. Criteria: CeGaT Center For Human Genetics Tuebingen Variant Classification Criteria Version 2. Collection method: clinical testing. Allele origin: germline. Affected: yes. Observed: 1 variant allele.
Comment: CACNA1C: PM2, PS2:Moderate, PP2, PP3

NM_000719.7(CACNA1C):c.4609C>T (p.Arg1537Cys)

Gene: CACNA1C (calcium voltage-gated channel subunit alpha1 C; plus strand). Cytogenetic location: 12p13.33.
Variant type: single nucleotide variant.
Coding change: c.4609C>T on transcript NM_000719.7 (MANE Select); coding-DNA position 4609, C replaced by T.
Protein change: p.Arg1537Cys; replaces arginine 1537 with cysteine.
Molecular consequence: missense variant.
Genome position (GRCh38, 1-based): chr12:2,666,768, C>T. VCF-style: chr12-2666768-C-T. GRCh37 (hg19) VCF-style: chr12-2775934-C-T.
Other names: c.4753C>T, p.Arg1585Cys (NM_001129827.2, NM_199460.4); c.4675C>T, p.Arg1559Cys (NM_001129829.2); c.4609C>T, p.Arg1537Cys (NM_001129830.3, NM_001129833.2, NM_001129834.2 and 7 more transcripts); c.4693C>T, p.Arg1565Cys (NM_001129831.2); c.4669C>T, p.Arg1557Cys (NM_001129832.2); c.4660C>T, p.Arg1554Cys (NM_001129836.2); c.4576C>T, p.Arg1526Cys (NM_001129837.2, NM_001129838.2, NM_001129846.2 and 1 more transcripts); c.4570C>T, p.Arg1524Cys (NM_001129839.2); and 1 more; short protein forms R1524C, R1557C, R1565C, R1585C, R1554C, R1559C, R1526C, R1534C.
Identifiers: ClinVar variation 1741860 (VCV001741860.28), dbSNP rs2529919336, ClinGen allele CA383376949.
Genomic context (GRCh38, chr12:2,666,768, plus strand): 5'-GTGGTGACCCTCCTCCGGCGGATTCAGCCGCCACTAGGTTTTGGGAAGCTGTGCCCTCAC[C>T]GCGTGGCTTGCAAAGTAAGAGATAACGGGGTTCATGGGAGGGAGAGGGAAAATAGGGGAA-3'
Protein context (NP_000710.5, residues 1527-1547): PLGFGKLCPH[Arg1537Cys]VACKRLVSMN